The following is an entry in ClinVar:

ClinVar aggregate classification (germline): Benign (1 of 4 stars; one submission).

Allele frequency attached by ClinVar (database versions not stated): gnomAD 0.02451; TOPMed 0.02499; 1000 Genomes Project 0.02536; 1000 Genomes Project 30x 0.02670.
gnomAD v4.1: 3,595 of 152,126 alleles (2.4%); highest among the groups gnomAD compares: African/African-American, 7%; 126 homozygotes.

Submission:

GeneDx
Classification: Benign. Last evaluated: 2018-06-14. Review status: criteria provided, single submitter. Criteria: GeneDx Variant Classification (06012015). Collection method: clinical testing. Allele origin: germline. Affected: yes.
Comment: This variant is considered likely benign or benign based on one or more of the following criteria: it is a conservative change, it occurs at a poorly conserved position in the protein, it is predicted to be benign by multiple in silico algorithms, and/or has population frequency not consistent with disease.

NM_001851.6(COL9A1):c.1066-324G>A

Gene: COL9A1 (collagen type IX alpha 1 chain; minus strand). Cytogenetic location: 6q13.
Variant type: single nucleotide variant.
Coding change: c.1066-324G>A on transcript NM_001851.6 (MANE Select); 324 bases into the intron before coding-DNA position 1066, G replaced by A.
Molecular consequence: intron variant.
Genome position (GRCh38, 1-based): chr6:70,272,412, C>T on the plus strand (G>A on the coding strand, the complement: COL9A1 is on the minus strand). VCF-style: chr6-70272412-C-T. GRCh37 (hg19) VCF-style: chr6-70982115-C-T.
Other names: c.337-324G>A (NM_001377290.1, NM_078485.4, NM_001377289.1).
Identifiers: ClinVar variation 672689 (VCV000672689.1), dbSNP rs1887762, ClinGen allele CA140881046.